The following is an entry in ClinVar:

ClinVar aggregate classification (germline): Uncertain significance (1 of 4 stars; one submission).

Submission:

Labcorp Genetics (formerly Invitae), Labcorp
Classification: Uncertain significance. Last evaluated: 2022-02-07. Review status: criteria provided, single submitter. Criteria: Invitae Variant Classification Sherloc (09022015). Collection method: clinical testing. Allele origin: germline.
Comment: In summary, the available evidence is currently insufficient to determine the role of this variant in disease. Therefore, it has been classified as a Variant of Uncertain Significance. Algorithms developed to predict the effect of missense changes on protein structure and function are either unavailable or do not agree on the potential impact of this missense change (SIFT: "Not Available"; PolyPhen-2: "Probably Damaging"; Align-GVGD: "Not Available"). This variant has not been reported in the literature in individuals affected with UBA5-related conditions. This variant is not present in population databases (gnomAD no frequency). This sequence change replaces leucine, which is neutral and non-polar, with valine, which is neutral and non-polar, at codon 397 of the UBA5 protein (p.Leu397Val).

NM_024818.6(UBA5):c.1189C>G (p.Leu397Val)

Genes: NPHP3-ACAD11 (NPHP3-ACAD11 readthrough (NMD candidate); minus strand), UBA5 (ubiquitin like modifier activating enzyme 5; plus strand). Cytogenetic location: 3q22.1.
Variant type: single nucleotide variant.
Coding change: c.1189C>G on transcript NM_024818.6 (MANE Select); coding-DNA position 1189, C replaced by G.
Protein change: p.Leu397Val; replaces leucine 397 with valine.
Molecular consequence: missense variant.
Genome position (GRCh38, 1-based): chr3:132,676,500, C>G. VCF-style: chr3-132676500-C-G. GRCh37 (hg19) VCF-style: chr3-132395344-C-G.
Other names: c.1021C>G, p.Leu341Val (NM_001320210.2, NM_198329.4); c.919C>G, p.Leu307Val (NM_001321238.2); c.853C>G, p.Leu285Val (NM_001321239.1); short protein forms L307V, L341V, L397V, L285V.
Identifiers: ClinVar variation 1391187 (VCV001391187.6), dbSNP rs2107952662, ClinGen allele CA354577202.